The following is an entry in ClinVar:

NM_002855.5(NECTIN1):c.*2857A>C

Gene: NECTIN1 (nectin cell adhesion molecule 1; minus strand). Cytogenetic location: 11q23.3.
Variant type: single nucleotide variant.
Coding change: c.*2857A>C on transcript NM_002855.5 (MANE Select); 2857 bases downstream of the stop codon, A replaced by C.
Molecular consequence: 3 prime UTR variant. On other transcripts: intron variant (1).
Genome position (GRCh38, 1-based): chr11:119,661,890, T>G on the plus strand (A>C on the coding strand, the complement: NECTIN1 is on the minus strand). VCF-style: chr11-119661890-T-G. GRCh37 (hg19) VCF-style: chr11-119532600-T-G.
Other names: c.1003+13269A>C (NM_203285.2).
Identifiers: ClinVar variation 877297 (VCV000877297.6), dbSNP rs7944707, ClinGen allele CA229719368.
Genomic context (GRCh38, chr11:119,661,890, plus strand): 5'-GCATGCGTGTGTACATGCGTGTACACATGCCTGCGCGTGGGTGTGTTGGAGGTGTGAGTG[T>G]GTCCACTGTGGGCACACGTACTGGGTCTGAGGTGGTCGCACTTGCAGGCCTGTGTTCACC-3'

ClinVar aggregate classification (germline): Benign. Review status: criteria provided, multiple submitters, no conflicts (2 of 4 stars). 2 submissions from 2 submitters: Benign (2). Last evaluated 2018-01-12.

Conditions:
Cleft lip/palate-ectodermal dysplasia syndrome (CLPED1). Also called: ECTODERMAL DYSPLASIA, CLEFT LIP AND PALATE, MENTAL RETARDATION, AND SYNDACTYLY; ECTODERMAL DYSPLASIA, MARGARITA ISLAND TYPE; ECTODERMAL DYSPLASIA, TYPE 4; ZLOTOGORA-OGUR SYNDROME; Zlotogora syndrome. Identifiers: Orphanet 3253, MedGen C2931488, MONDO:0009151, OMIM 225060.

Allele frequency attached by ClinVar (database versions not stated): gnomAD 0.06739 and 0.07251; 1000 Genomes Project 0.06969; 1000 Genomes Project 30x 0.07527; TOPMed 0.07682.
gnomAD v4.1: 15,033 of 985,290 alleles (1.5%); highest among the groups gnomAD compares: African/African-American, 24%; 1,659 homozygotes.

Submissions (2):

Illumina Laboratory Services, Illumina
Classification: Benign for Cleft lip/palate-ectodermal dysplasia syndrome. Last evaluated: 2018-01-12. Review status: criteria provided, single submitter. Criteria: ICSL Variant Classification Criteria 13 December 2019. Collection method: clinical testing. Allele origin: germline.
Comment: This variant was observed in the ICSL laboratory as part of a predisposition screen in an ostensibly healthy population. It had not been previously curated by ICSL or reported in the Human Gene Mutation Database (HGMD: prior to June 1st, 2018), and was therefore a candidate for classification through an automated scoring system. Utilizing variant allele frequency, disease prevalence and penetrance estimates, and inheritance mode, an automated score was calculated to assess if this variant is too frequent to cause the disease. Based on the score and internal cut-off values, a variant classified as benign is not then subjected to further curation. The score for this variant resulted in a classification of benign for this disease.

Breakthrough Genomics
Classification: Benign. Review status: criteria provided, single submitter. Criteria: ACMG Guidelines, 2015. Collection method: not provided. Allele origin: germline. Inheritance: Autosomal recessive inheritance. Affected: yes.